The following is an entry in ClinVar:

NM_001204.7(BMPR2):c.1697T>G (p.Ile566Ser)

Gene: BMPR2 (bone morphogenetic protein receptor type 2; plus strand). Cytogenetic location: 2q33.2.
Variant type: single nucleotide variant.
Coding change: c.1697T>G on transcript NM_001204.7 (MANE Select); coding-DNA position 1697, T replaced by G.
Protein change: p.Ile566Ser; replaces isoleucine 566 with serine.
Molecular consequence: missense variant.
Genome position (GRCh38, 1-based): chr2:202,555,362, T>G. VCF-style: chr2-202555362-T-G. GRCh37 (hg19) VCF-style: chr2-203420085-T-G.
Other names: short protein forms I566S.
Identifiers: ClinVar variation 4214429 (VCV004214429.1).

ClinVar aggregate classification (germline): Uncertain significance (1 of 4 stars; one submission).

Conditions:
Inborn genetic diseases. Identifiers: MedGen C0950123, MeSH D030342.

Submission:

Ambry Genetics
Classification: Uncertain significance for Inborn genetic diseases. Last evaluated: 2025-07-05. Review status: criteria provided, single submitter. Criteria: Ambry Variant Classification Scheme 2023. Collection method: clinical testing. Allele origin: germline.
Comment: The p.I566S variant (also known as c.1697T>G), located in coding exon 12 of the BMPR2 gene, results from a T to G substitution at nucleotide position 1697. The isoleucine at codon 566 is replaced by serine, an amino acid with dissimilar properties. This amino acid position is conserved. In addition, the in silico prediction for this alteration is inconclusive. Based on the available evidence, the clinical significance of this variant remains unclear.